The following is an entry in ClinVar:

NM_004036.5(ADCY3):c.2386C>T (p.Arg796Cys)

Gene: ADCY3 (adenylate cyclase 3; minus strand). Cytogenetic location: 2p23.3.
Variant type: single nucleotide variant.
Coding change: c.2386C>T on transcript NM_004036.5 (MANE Select); coding-DNA position 2386, C replaced by T.
Protein change: p.Arg796Cys; replaces arginine 796 with cysteine.
Molecular consequence: missense variant. On other transcripts: intron variant (1).
Genome position (GRCh38, 1-based): chr2:24,827,948, G>A on the plus strand (C>T on the coding strand, the complement: ADCY3 is on the minus strand). VCF-style: chr2-24827948-G-A. GRCh37 (hg19) VCF-style: chr2-25050817-G-A.
Other names: c.2386C>T, p.Arg796Cys (NM_001320613.2, NM_001377132.1); c.2452C>T, p.Arg818Cys (NM_001377128.1); c.2248C>T, p.Arg750Cys (NM_001377129.1); c.1663C>T, p.Arg555Cys (NM_001377131.1); c.2172+2761C>T (NM_001377130.1); short protein forms R555C, R750C, R796C, R818C.
Identifiers: ClinVar variation 4990670 (VCV004990670.1).

ClinVar aggregate classification (germline): Uncertain significance (1 of 4 stars; one submission).

Conditions:
ADCY3-related disorder. Also called: ADCY3-related condition.

gnomAD v4.1: 17 of 1,614,240 alleles (0.0011%); highest among the groups gnomAD compares: Middle Eastern, 0.016%; no homozygotes.

Submission:

PreventionGenetics, part of Exact Sciences
Classification: Uncertain significance for ADCY3-related condition. Last evaluated: 2026-01-21. Review status: criteria provided, single submitter. Criteria: ACMG Guidelines, 2015. Collection method: clinical testing. Allele origin: germline.
Comment: The ADCY3 c.2386C>T variant is predicted to result in the amino acid substitution p.Arg796Cys. To our knowledge, this variant has not been reported in the literature. This variant is reported in 0.0062% of alleles in individuals of African descent in gnomAD. At this time, the clinical significance of this variant is uncertain due to the absence of conclusive functional and genetic evidence.